The following is an entry in ClinVar:

ClinVar aggregate classification (germline): Uncertain significance. Review status: criteria provided, multiple submitters, no conflicts (2 of 4 stars). 3 submissions from 3 submitters: Uncertain significance (3). Last evaluated 2025-03-31.

Conditions:
Malignant hyperthermia, susceptibility to, 1 (MHS1). Also called: Malignant hyperthermia suceptibility 1; RYR1-Related Malignant Hyperthermia Susceptibility; Anesthesia related hyperthermia; Malignant hyperpyrexia; Fulminating hyperpyrexia; Pharmacogenic myopathy. Identifiers: Orphanet 423, MedGen C2930980, MONDO:0007783, OMIM 145600.
RYR1-related disorder. Also called: RYR1-related condition; RYR1-related disorders. Identifiers: MedGen CN239331.

Allele frequency attached by ClinVar (database versions not stated): gnomAD 0.00001; TOPMed 0.00001; gnomAD exomes below 0.00001.
gnomAD v4.1: 6 of 1,614,016 alleles (0.00037%); highest among the groups gnomAD compares: Non-Finnish European, 0.00051%; no homozygotes.

Submissions (3):

Labcorp Genetics (formerly Invitae), Labcorp
Classification: Uncertain significance for RYR1-related disorder. Last evaluated: 2025-03-31. Review status: criteria provided, single submitter. Criteria: Invitae Variant Classification Sherloc (09022015). Collection method: clinical testing. Allele origin: germline.
Comment: This sequence change replaces arginine, which is basic and polar, with serine, which is neutral and polar, at codon 3321 of the RYR1 protein (p.Arg3321Ser). This variant is not present in population databases (gnomAD no frequency). This variant has not been reported in the literature in individuals affected with RYR1-related conditions. ClinVar contains an entry for this variant (Variation ID: 661873). Invitae Evidence Modeling of protein sequence and biophysical properties (such as structural, functional, and spatial information, amino acid conservation, physicochemical variation, residue mobility, and thermodynamic stability) indicates that this missense variant is not expected to disrupt RYR1 protein function with a negative predictive value of 80%. In summary, the available evidence is currently insufficient to determine the role of this variant in disease. Therefore, it has been classified as a Variant of Uncertain Significance.

All of Us Research Program, National Institutes of Health
Classification: Uncertain significance for Malignant hyperthermia, susceptibility to, 1. Last evaluated: 2024-09-23. Review status: criteria provided, single submitter. Criteria: ACMG Guidelines, 2015. Collection method: clinical testing. Allele origin: germline. Inheritance: Autosomal dominant inheritance. Observed: 5 variant alleles, 5 heterozygotes.
Comment: This missense variant replaces arginine with serine at codon 3321 of the RYR1 protein. Computational prediction is inconclusive regarding the impact of this variant on protein structure and function (internally defined REVEL score threshold 0.5 < inconclusive < 0.7, PMID: 27666373). To our knowledge, functional studies have not been reported for this variant. This variant has not been reported in individuals affected with RYR1-related disorders in the literature. This variant has not been identified in the general population by the Genome Aggregation Database (gnomAD). The available evidence is insufficient to determine the role of this variant in disease conclusively. Therefore, this variant is classified as a Variant of Uncertain Significance.

This study involves interpretation of variants in research participants for the purpose of population health screening. Participant phenotype was not available at the time of variant classification. Additional details can be found in publication PMID: 35346344, PMCID: PMC8962531

Color Diagnostics, LLC DBA Color Health
Classification: Uncertain significance for Malignant hyperthermia, susceptibility to, 1. Last evaluated: 2024-05-07. Review status: criteria provided, single submitter. Criteria: ACMG Guidelines, 2015. Collection method: clinical testing. Allele origin: germline.
Comment: This missense variant replaces arginine with serine at codon 3321 of the RYR1 protein. Computational prediction is inconclusive regarding the impact of this variant on protein structure and function. To our knowledge, functional studies have not been reported for this variant. This variant has not been reported in individuals affected with RYR1-related disorders in the literature. This variant has not been identified in the general population by the Genome Aggregation Database (gnomAD). The available evidence is insufficient to determine the role of this variant in disease conclusively. Therefore, this variant is classified as a Variant of Uncertain Significance.

NM_000540.3(RYR1):c.9963A>C (p.Arg3321Ser)

Gene: RYR1 (ryanodine receptor 1; plus strand). Cytogenetic location: 19q13.2.
Variant type: single nucleotide variant.
Coding change: c.9963A>C on transcript NM_000540.3 (MANE Select); coding-DNA position 9963, A replaced by C.
Protein change: p.Arg3321Ser; replaces arginine 3321 with serine.
Molecular consequence: missense variant.
Genome position (GRCh38, 1-based): chr19:38,517,636, A>C. VCF-style: chr19-38517636-A-C. GRCh37 (hg19) VCF-style: chr19-39008276-A-C.
Other names: c.9963A>C, p.Arg3321Ser (NM_001042723.2); short protein forms R3321S.
Identifiers: ClinVar variation 661873 (VCV000661873.11), dbSNP rs1038063554, ClinGen allele CA308129980.